The following is an entry in ClinVar:

ClinVar aggregate classification (germline): Uncertain significance (1 of 4 stars; one submission).

Conditions:
Arrhythmogenic cardiomyopathy with wooly hair and keratoderma. Also called: Carvajal syndrome; PALMOPLANTAR KERATODERMA WITH LEFT VENTRICULAR CARDIOMYOPATHY AND WOOLLY HAIR; Dilated cardiomyopathy with woolly hair and keratoderma; Arrhythmogenic cardiomyopathy with woolly hair and keratoderma. Identifiers: Orphanet 65282, MedGen C1854063, MONDO:0011581, OMIM 605676.

Submission:

All of Us Research Program, National Institutes of Health
Classification: Uncertain significance for Arrhythmogenic cardiomyopathy with wooly hair and keratoderma. Last evaluated: 2024-09-23. Review status: criteria provided, single submitter. Criteria: ACMG Guidelines, 2015. Collection method: clinical testing. Allele origin: germline. Inheritance: Autosomal dominant inheritance. Observed: 1 variant allele, 1 heterozygote.
Comment: This study involves interpretation of variants in research participants for the purpose of population health screening. Participant phenotype was not available at the time of variant classification. Additional details can be found in publication PMID: 35346344, PMCID: PMC8962531

NM_004415.4(DSP):c.8182G>A (p.Glu2728Lys)

Gene: DSP (desmoplakin; plus strand). Cytogenetic location: 6p24.3.
Variant type: single nucleotide variant.
Coding change: c.8182G>A on transcript NM_004415.4 (MANE Select); coding-DNA position 8182, G replaced by A.
Protein change: p.Glu2728Lys; replaces glutamic acid 2728 with lysine.
Molecular consequence: missense variant.
Genome position (GRCh38, 1-based): chr6:7,585,444, G>A. VCF-style: chr6-7585444-G-A. GRCh37 (hg19) VCF-style: chr6-7585677-G-A.
Other names: c.6385G>A, p.Glu2129Lys (NM_001008844.3); c.6853G>A, p.Glu2285Lys (NM_001319034.2); short protein forms E2129K, E2285K, E2728K.
Identifiers: ClinVar variation 3386732 (VCV003386732.1).
Genomic context (GRCh38, chr6:7,585,444, plus strand): 5'-TCAGCAGCAGAGGCAGTGAAAGAAAAATGGCTCCCGTATGAGGCTGGCCAGCGCTTCCTG[G>A]AGTTCCAGTACCTCACGGGAGGTCTTGTTGACCCGGAAGTGCATGGGAGGATAAGCACCG-3'
Protein context (NP_004406.2, residues 2718-2738): LPYEAGQRFL[Glu2728Lys]FQYLTGGLVD